The following is an entry in ClinVar:

NM_006231.4(POLE):c.5335C>T (p.Pro1779Ser)

Gene: POLE (DNA polymerase epsilon, catalytic subunit; minus strand). Cytogenetic location: 12q24.33.
Variant type: single nucleotide variant.
Coding change: c.5335C>T on transcript NM_006231.4 (MANE Select); coding-DNA position 5335, C replaced by T.
Protein change: p.Pro1779Ser; replaces proline 1779 with serine.
Molecular consequence: missense variant.
Genome position (GRCh38, 1-based): chr12:132,641,690, G>A on the plus strand (C>T on the coding strand, the complement: POLE is on the minus strand). VCF-style: chr12-132641690-G-A. GRCh37 (hg19) VCF-style: chr12-133218276-G-A.
Other names: short protein forms P1779S.
Identifiers: ClinVar variation 640884 (VCV000640884.11), dbSNP rs1003504532, ClinGen allele CA387375866.

ClinVar aggregate classification (germline): Conflicting classifications of pathogenicity. Review status: criteria provided, conflicting classifications (1 of 4 stars). 3 submissions from 3 submitters: Uncertain significance (2); Likely benign (1). Last evaluated 2025-03-24.

Conditions:
Hereditary cancer-predisposing syndrome. Also called: Neoplastic Syndromes, Hereditary; Tumor predisposition; Hereditary Cancer Syndrome; Hereditary neoplastic syndrome. Identifiers: Orphanet 140162, MedGen C0027672, MeSH D009386, MONDO:0015356.

Allele frequency attached by ClinVar (database versions not stated): gnomAD exomes 0.00001.
gnomAD v4.1: 4 of 1,613,920 alleles (0.00025%); highest among the groups gnomAD compares: Admixed American, 0.0067%; no homozygotes.

Submissions (3):

Ambry Genetics
Classification: Likely benign for Hereditary cancer-predisposing syndrome. Last evaluated: 2025-03-24. Review status: criteria provided, single submitter. Criteria: Ambry Variant Classification Scheme 2023. Collection method: clinical testing. Allele origin: germline.

Labcorp Genetics (formerly Invitae), Labcorp
Classification: Uncertain significance. Last evaluated: 2024-11-18. Review status: criteria provided, single submitter. Criteria: Invitae Variant Classification Sherloc (09022015). Collection method: clinical testing. Allele origin: germline.
Comment: This sequence change replaces proline, which is neutral and non-polar, with serine, which is neutral and polar, at codon 1779 of the POLE protein (p.Pro1779Ser). This variant is not present in population databases (gnomAD no frequency). This variant has not been reported in the literature in individuals affected with POLE-related conditions. ClinVar contains an entry for this variant (Variation ID: 640884). Invitae Evidence Modeling of protein sequence and biophysical properties (such as structural, functional, and spatial information, amino acid conservation, physicochemical variation, residue mobility, and thermodynamic stability) indicates that this missense variant is not expected to disrupt POLE protein function with a negative predictive value of 80%. In summary, the available evidence is currently insufficient to determine the role of this variant in disease. Therefore, it has been classified as a Variant of Uncertain Significance.

GeneDx
Classification: Uncertain significance. Last evaluated: 2023-07-21. Review status: criteria provided, single submitter. Criteria: GeneDx Variant Classification Process June 2021. Collection method: clinical testing. Allele origin: germline. Affected: yes.
Comment: Not observed at significant frequency in large population cohorts (gnomAD); In silico analysis supports that this missense variant does not alter protein structure/function; Has not been previously published as pathogenic or benign to our knowledge